The following is an entry in ClinVar:

NM_024911.7(WLS):c.207T>C (p.Asn69=)

Genes: WLS (Wnt ligand secretion mediator; minus strand), GNG12-AS1 (GNG12, DIRAS3 and WLS antisense RNA 1; plus strand). Cytogenetic location: 1p31.3.
Variant type: single nucleotide variant.
Coding change: c.207T>C on transcript NM_024911.7 (MANE Select); coding-DNA position 207, T replaced by C.
Protein change: p.Asn69=; no amino-acid change (asparagine 69 retained).
Molecular consequence: synonymous variant. On other transcripts: intron variant (1).
Genome position (GRCh38, 1-based): chr1:68,194,127, A>G on the plus strand (T>C on the coding strand, the complement: WLS is on the minus strand). VCF-style: chr1-68194127-A-G. GRCh37 (hg19) VCF-style: chr1-68659810-A-G.
Other names: c.201T>C, p.Asn67= (NM_001002292.4); c.107-34880T>C (NM_001193334.1).
Identifiers: ClinVar variation 5041445 (VCV005041445.1).
Genomic context (GRCh38, chr1:68,194,127, plus strand): 5'-GTCATTGGCTTCAATTTCCCTTGGAATTGCCTCTTCAATGTCTCGGATCTTGTCACAATG[A>G]TTGGGTCCCCAAGGCACGAACCATTTTGTCTTGTGATGGTTCTTACGGGCATCCACACAT-3'
Protein context (NP_079187.3, residues 59-79): KTKWFVPWGP[Asn69=]HCDKIRDIEE

ClinVar aggregate classification (germline): Likely benign (1 of 4 stars; one submission).

gnomAD v4.1: 2 of 1,614,158 alleles (0.00012%); highest among the groups gnomAD compares: Non-Finnish European, 0.00017%; no homozygotes.

Submission:

CeGaT Center for Human Genetics Tuebingen
Classification: Likely benign. Last evaluated: 2026-09-01. Review status: criteria provided, single submitter. Criteria: CeGaT Center For Human Genetics Tuebingen Variant Classification Criteria Version 2. Collection method: clinical testing. Allele origin: germline. Affected: yes. Observed: 1 variant allele.
Comment: WLS: BP4, BP7